The following is an entry in ClinVar:

ClinVar aggregate classification (germline): Benign. Review status: criteria provided, single submitter (1 of 4 stars). 2 submissions from 2 submitters: Benign (1). 1 of the submissions does not count toward it. Last evaluated 2018-06-27.

Conditions:
NCOR1-related disorder. Also called: NCOR1-related condition.

Allele frequency attached by ClinVar (database versions not stated): ESP Exome Variant Server 0.00008; gnomAD exomes 0.00014 and 0.00047; gnomAD 0.00025; ExAC 0.00037; TOPMed 0.00049; 1000 Genomes Project 0.00100; 1000 Genomes Project 30x 0.00125.
gnomAD v4.1: 266 of 1,614,118 alleles (0.016%); highest among the groups gnomAD compares: Admixed American, 0.22%; 1 homozygote.

Submissions (2):

Labcorp Genetics (formerly Invitae), Labcorp
Classification: Benign. Last evaluated: 2018-06-27. Review status: criteria provided, single submitter. Criteria: Invitae Variant Classification Sherloc (09022015). Collection method: clinical testing. Allele origin: germline.

PreventionGenetics, part of Exact Sciences
Classification: Likely benign for NCOR1-related condition. Last evaluated: 2022-12-01. Review status: no assertion criteria provided. Collection method: clinical testing. Allele origin: germline. Not counted in ClinVar's aggregate classification.
Comment: This variant is classified as likely benign based on ACMG/AMP sequence variant interpretation guidelines (Richards et al. 2015 PMID: 25741868, with internal and published modifications).

NM_006311.4(NCOR1):c.7074A>G (p.Ser2358=)

Genes: NCOR1 (nuclear receptor corepressor 1; minus strand), TTC19 (tetratricopeptide repeat domain 19; plus strand). Cytogenetic location: 17p12.
Variant type: single nucleotide variant.
Coding change: c.7074A>G on transcript NM_006311.4 (MANE Select); coding-DNA position 7074, A replaced by G.
Protein change: p.Ser2358=; no amino-acid change (serine 2358 retained).
Molecular consequence: synonymous variant.
Genome position (GRCh38, 1-based): chr17:16,034,826, T>C on the plus strand (A>G on the coding strand, the complement: NCOR1 is on the minus strand). VCF-style: chr17-16034826-T-C. GRCh37 (hg19) VCF-style: chr17-15938140-T-C.
Other names: c.6765A>G, p.Ser2255= (NM_001190440.2).
Identifiers: ClinVar variation 726341 (VCV000726341.5), dbSNP rs141896864, ClinGen allele CA8407816.